The following is an entry in ClinVar:

NM_000059.4(BRCA2):c.9573G>T (p.Trp3191Cys)

Gene: BRCA2 (BRCA2 DNA repair associated; plus strand). Cytogenetic location: 13q13.1.
Variant type: single nucleotide variant.
Coding change: c.9573G>T on transcript NM_000059.4 (MANE Select); coding-DNA position 9573, G replaced by T.
Protein change: p.Trp3191Cys; replaces tryptophan 3191 with cysteine.
Molecular consequence: missense variant. On other transcripts: non-coding transcript variant (1).
Genome position (GRCh38, 1-based): chr13:32,396,969, G>T. VCF-style: chr13-32396969-G-T. GRCh37 (hg19) VCF-style: chr13-32971106-G-T.
Other names: c.9477G>T, p.Trp3159Cys (NM_001406719.1); c.9522G>T, p.Trp3174Cys (NM_001406720.1); c.4641G>T, p.Trp1547Cys (NM_001406721.1); c.3156G>T, p.Trp1052Cys (NM_001406722.1); c.9573G>T, p.Trp3191Cys (NM_001432077.1); short protein forms W3191C, W1052C, W1547C, W3159C, W3174C.
Identifiers: ClinVar variation 4824550 (VCV004824550.1).

ClinVar aggregate classification (germline): Uncertain significance (1 of 4 stars; one submission).

Conditions:
Hereditary cancer-predisposing syndrome. Also called: Neoplastic Syndromes, Hereditary; Hereditary neoplastic syndrome; Tumor predisposition; Hereditary Cancer Syndrome. Identifiers: Orphanet 140162, MedGen C0027672, MeSH D009386, MONDO:0015356.

gnomAD v4.1: 2 of 1,613,984 alleles (0.00012%); highest among the groups gnomAD compares: Non-Finnish European, 0.00017%; no homozygotes.

Submission:

Ambry Genetics
Classification: Uncertain significance for Hereditary cancer-predisposing syndrome. Last evaluated: 2026-02-16. Review status: criteria provided, single submitter. Criteria: Ambry Variant Classification Scheme 2023. Collection method: clinical testing. Allele origin: germline.
Comment: The p.W3191C variant (also known as c.9573G>T), located in coding exon 25 of the BRCA2 gene, results from a G to T substitution at nucleotide position 9573. The tryptophan at codon 3191 is replaced by cysteine, an amino acid with highly dissimilar properties. This amino acid position is conserved. In addition, this alteration is predicted to be tolerated by in silico analysis. Based on the available evidence, the clinical significance of this variant remains unclear.